The following is an entry in ClinVar:

ClinVar aggregate classification (germline): Uncertain significance (1 of 4 stars; one submission).

Submission:

Women's Health and Genetics/Laboratory Corporation of America, LabCorp
Classification: Uncertain significance. Last evaluated: 2025-03-03. Review status: criteria provided, single submitter. Criteria: LabCorp Variant Classification Summary - May 2015. Collection method: clinical testing. Allele origin: germline.
Comment: Variant summary: PKHD1 c.8899G>T (p.Gly2967Trp) results in a non-conservative amino acid change in the encoded protein sequence. Five of five in-silico tools predict a damaging effect of the variant on protein function. The variant was absent in 251224 control chromosomes. The available data on variant occurrences in the general population are insufficient to allow any conclusion about variant significance. c.8899G>T has been reported in the literature in individuals affected with Polycystic Kidney And Hepatic Disease, however with a non informative genotype (example: Bergmann_2005). These report(s) do not provide unequivocal conclusions about association of the variant with Polycystic Kidney And Hepatic Disease. To our knowledge, no experimental evidence demonstrating an impact on protein function has been reported. The following publication has been ascertained in the context of this evaluation (PMID: 15698423). No submitters have cited clinical-significance assessments for this variant to ClinVar. Based on the evidence outlined above, the variant was classified as uncertain significance.

Literature cited by the submitters: PubMed 15698423.

NM_138694.4(PKHD1):c.8899G>T (p.Gly2967Trp)

Gene: PKHD1 (PKHD1 ciliary IPT domain containing fibrocystin/polyductin; minus strand). Cytogenetic location: 6p12.3.
Variant type: single nucleotide variant.
Coding change: c.8899G>T on transcript NM_138694.4 (MANE Select); coding-DNA position 8899, G replaced by T.
Protein change: p.Gly2967Trp; replaces glycine 2967 with tryptophan.
Molecular consequence: missense variant.
Genome position (GRCh38, 1-based): chr6:51,753,252, C>A on the plus strand (G>T on the coding strand, the complement: PKHD1 is on the minus strand). VCF-style: chr6-51753252-C-A. GRCh37 (hg19) VCF-style: chr6-51618050-C-A.
Other names: c.8899G>T, p.Gly2967Trp (NM_170724.3); short protein forms G2967W.
Identifiers: ClinVar variation 3895868 (VCV003895868.1).